The following is an entry in ClinVar:

NM_001042492.3(NF1):c.3420dup (p.Leu1141fs)

Gene: NF1 (neurofibromin 1; plus strand). Cytogenetic location: 17q11.2.
Variant type: Duplication.
Coding change: c.3420dup on transcript NM_001042492.3 (MANE Select); coding-DNA position 3420, one base duplicated (A; older notation c.3420dupA).
Protein change: p.Leu1141fs; shifts the reading frame from leucine 1141.
Molecular consequence: frameshift variant.
Genome position (GRCh38, 1-based): chr17:31,232,805, A duplicated. VCF-style (leftmost placement, unchanged base first): chr17-31232804-C-CA. GRCh37 (hg19) VCF-style: chr17-29559822-C-CA.
Other names: c.3420dup, p.Leu1141fs (NM_000267.4); short protein forms L1141fs.
Identifiers: ClinVar variation 4717281 (VCV004717281.1).

ClinVar aggregate classification (germline): Pathogenic (1 of 4 stars; one submission).

Conditions:
Neurofibromatosis, type 1 (NF1). Also called: NEUROFIBROMATOSIS, TYPE I, SOMATIC; VON RECKLINGHAUSEN DISEASE; Peripheral type neurofibromatosis; Neurofibromatosis, type I. Identifiers: Orphanet 636, MedGen C0027831, MONDO:0018975, OMIM 162200. Disease mechanism: loss of function.

Submission:

Labcorp Genetics (formerly Invitae), Labcorp
Classification: Pathogenic for Neurofibromatosis, type 1. Last evaluated: 2025-04-11. Review status: criteria provided, single submitter. Criteria: Invitae Variant Classification Sherloc (09022015). Collection method: clinical testing. Allele origin: germline.
Comment: This sequence change creates a premature translational stop signal (p.Leu1141Thrfs*54) in the NF1 gene. It is expected to result in an absent or disrupted protein product. Loss-of-function variants in NF1 are known to be pathogenic (PMID: 10712197, 23913538). This variant is not present in population databases (gnomAD no frequency). This variant has not been reported in the literature in individuals affected with NF1-related conditions. For these reasons, this variant has been classified as Pathogenic.

Literature cited by the submitters: PubMed 10712197; PubMed 23913538.